The following is an entry in ClinVar:

NM_003072.5(SMARCA4):c.1402C>A (p.Arg468Ser)

Gene: SMARCA4 (SWI/SNF related BAF chromatin remodeling complex subunit ATPase 4; plus strand). Cytogenetic location: 19p13.2.
Variant type: single nucleotide variant.
Coding change: c.1402C>A on transcript NM_003072.5 (MANE Select); coding-DNA position 1402, C replaced by A.
Protein change: p.Arg468Ser; replaces arginine 468 with serine.
Molecular consequence: missense variant. On other transcripts: non-coding transcript variant (1).
Genome position (GRCh38, 1-based): chr19:10,991,306, C>A. VCF-style: chr19-10991306-C-A. GRCh37 (hg19) VCF-style: chr19-11101982-C-A.
Other names: c.1402C>A, p.Arg468Ser (NM_001128844.3, NM_001128845.2, NM_001128846.2 and 6 more transcripts); short protein forms R468S.
Identifiers: ClinVar variation 1771835 (VCV001771835.2), dbSNP rs2145882413, ClinGen allele CA404061098.
Genomic context (GRCh38, chr19:10,991,306, plus strand): 5'-CGCGAGGCCCGCATCACTGAGAAGCTGGAGAAGCAGCAGAAGATCGAGCAGGAGCGCAAG[C>A]GCCGGCAGAAGCACCAGGTACGCTCCGGTGGCCCCAAGGCCCTGCAGCCCGCCCACCTGG-3'
Protein context (NP_003063.2, residues 458-478): KQQKIEQERK[Arg468Ser]RQKHQEYLNS

ClinVar aggregate classification (germline): Uncertain significance (1 of 4 stars; one submission).

Conditions:
Hereditary cancer-predisposing syndrome. Also called: Hereditary Cancer Syndrome; Hereditary neoplastic syndrome; Neoplastic Syndromes, Hereditary; Tumor predisposition. Identifiers: Orphanet 140162, MedGen C0027672, MeSH D009386, MONDO:0015356.

Submission:

Ambry Genetics
Classification: Uncertain significance for Hereditary cancer-predisposing syndrome. Last evaluated: 2022-10-20. Review status: criteria provided, single submitter. Criteria: Ambry Variant Classification Scheme 2023. Collection method: clinical testing. Allele origin: germline.
Comment: The p.R468S variant (also known as c.1402C>A), located in coding exon 7 of the SMARCA4 gene, results from a C to A substitution at nucleotide position 1402. The arginine at codon 468 is replaced by serine, an amino acid with dissimilar properties. This amino acid position is highly conserved in available vertebrate species. In addition, the in silico prediction for this alteration is inconclusive. Missense and in-frame variants in SMARCA4 are known to cause neurodevelopmental disorders; however, such associations with rhabdoid tumor predisposition syndrome including small cell carcinoma of the ovary-hypercalcemic type (SCCOHT) are exceedingly rare (Kosho T et al. Am J Med Genet C Semin Med Genet. 2014 Sep;166C(3):262-75; Jelinic P et al. Nat Genet. 2014 May;46(5):424-6). Based on the supporting evidence, the association of this alteration with Coffin-Siris syndrome is unknown; however, the association of this alteration with rhabdoid tumor predisposition syndrome is unlikely.